The following is an entry in ClinVar:

NM_001278182.2(EOMES):c.1923C>T (p.Pro641=)

Gene: EOMES (eomesodermin; minus strand). Cytogenetic location: 3p24.1.
Variant type: single nucleotide variant.
Coding change: c.1923C>T on transcript NM_001278182.2 (MANE Select); coding-DNA position 1923, C replaced by T.
Protein change: p.Pro641=; no amino-acid change (proline 641 retained).
Molecular consequence: synonymous variant.
Genome position (GRCh38, 1-based): chr3:27,717,265, G>A on the plus strand (C>T on the coding strand, the complement: EOMES is on the minus strand). VCF-style: chr3-27717265-G-A. GRCh37 (hg19) VCF-style: chr3-27758756-G-A.
Other names: p.P622P:CCC>CCT; c.1038C>T, p.Pro346= (NM_001278183.2); c.1866C>T, p.Pro622= (NM_005442.4).
Identifiers: ClinVar variation 137211 (VCV000137211.2), dbSNP rs6783101, ClinGen allele CA290738.

ClinVar aggregate classification (germline): Benign. Review status: criteria provided, multiple submitters, no conflicts (2 of 4 stars). 2 submissions from 2 submitters: Benign (2). Last evaluated 2014-01-28.

Allele frequency attached by ClinVar (database versions not stated): 1000 Genomes Project 0.03634; gnomAD 0.03934 and 0.03652; gnomAD exomes 0.00368 and 0.00955; 1000 Genomes Project 30x 0.03966; TOPMed 0.04197; ESP Exome Variant Server 0.04267; ExAC 0.01150.
gnomAD v4.1: 11,188 of 1,613,452 alleles (0.69%); highest among the groups gnomAD compares: African/African-American, 13%; 652 homozygotes.

Submissions (2):

GeneDx
Classification: Benign. Last evaluated: 2014-01-28. Review status: criteria provided, single submitter. Criteria: GeneDx Variant Classification (06012015). Collection method: clinical testing. Allele origin: germline. Affected: yes.
Comment: This variant is considered likely benign or benign based on one or more of the following criteria: it is a conservative change, it occurs at a poorly conserved position in the protein, it is predicted to be benign by multiple in silico algorithms, and/or has population frequency not consistent with disease.

Breakthrough Genomics
Classification: Benign. Review status: criteria provided, single submitter. Criteria: ACMG Guidelines, 2015. Collection method: not provided. Allele origin: germline. Inheritance: Unknown mechanism. Affected: yes.